The following is an entry in ClinVar:

NM_000035.4(ALDOB):c.324+2T>A

Gene: ALDOB (aldolase, fructose-bisphosphate B; minus strand). Cytogenetic location: 9q31.1.
Variant type: single nucleotide variant.
Coding change: c.324+2T>A on transcript NM_000035.4 (MANE Select); the canonical splice donor site of the intron after coding-DNA position 324, T replaced by A.
Molecular consequence: splice donor variant.
Genome position (GRCh38, 1-based): chr9:101,429,753, A>T on the plus strand (T>A on the coding strand, the complement: ALDOB is on the minus strand). VCF-style: chr9-101429753-A-T. GRCh37 (hg19) VCF-style: chr9-104192035-A-T.
Identifiers: ClinVar variation 370293 (VCV000370293.11), dbSNP rs1057516379, ClinGen allele CA16041288.

ClinVar aggregate classification (germline): Pathogenic. Review status: criteria provided, multiple submitters, no conflicts (2 of 4 stars). 4 submissions from 4 submitters: Pathogenic (3). 1 of the submissions does not count toward it. Last evaluated 2025-03-28.

Conditions:
Hereditary fructosuria. Also called: ALDOB DEFICIENCY; ALDOLASE B DEFICIENCY; FRUCTOSE-1,6-BISPHOSPHATE ALDOLASE B DEFICIENCY; FRUCTOSE-1-PHOSPHATE ALDOLASE DEFICIENCY; FRUCTOSEMIA; Fructose intolerance. Identifiers: Orphanet 469, MedGen C0016751, MONDO:0009249, OMIM 229600, HP:0005973. Disease mechanism: loss of function.

Allele frequency attached by ClinVar (database versions not stated): gnomAD exomes below 0.00001.
gnomAD v4.1: 4 of 1,614,052 alleles (0.00025%); highest among the groups gnomAD compares: Non-Finnish European, 0.00034%; no homozygotes.

Submissions (4):

Natera, Inc.
Classification: Pathogenic for Fructose intolerance. Last evaluated: 2025-03-28. Review status: criteria provided, single submitter. Criteria: Natera Variant Classification Schema (03/2026). Collection method: clinical testing. Allele origin: germline.
Comment: The c.324+2T>A variant in ALDOB is a canonical splice donor site variant predicted to affect pre-mRNA splicing, which may result in an abnormal transcript and altered protein product. This variant is expected to result in nonsense mediated decay, truncation, or a dysfunctional protein product. This variant is rare in the general population with a frequency below the threshold expected for the associated phenotype(s). Another variant at this same site results in an alteration predicted to cause a similar molecular effect has been observed in individual(s) with the associated phenotype. Given the available evidence, this variant is classified as Pathogenic.

Labcorp Genetics (formerly Invitae), Labcorp
Classification: Pathogenic for Hereditary fructosuria. Last evaluated: 2023-08-16. Review status: criteria provided, single submitter. Criteria: Invitae Variant Classification Sherloc (09022015). Collection method: clinical testing. Allele origin: germline.
Comment: Disruption of this splice site has been observed in individuals with fructose intolerance (PMID: 25595217). This variant is not present in population databases (gnomAD no frequency). This sequence change affects a donor splice site in intron 3 of the ALDOB gene. It is expected to disrupt RNA splicing. Variants that disrupt the donor or acceptor splice site typically lead to a loss of protein function (PMID: 16199547), and loss-of-function variants in ALDOB are known to be pathogenic (PMID: 18541450). ClinVar contains an entry for this variant (Variation ID: 370293). For these reasons, this variant has been classified as Pathogenic. Algorithms developed to predict the effect of sequence changes on RNA splicing suggest that this variant may disrupt the consensus splice site.

Baylor Genetics
Classification: Pathogenic for Hereditary fructosuria. Review status: criteria provided, single submitter. Criteria: ACMG Guidelines, 2015. Collection method: clinical testing. Allele origin: germline.

Counsyl
Classification: Likely pathogenic for Hereditary fructosuria. Last evaluated: 2016-01-05. Review status: no assertion criteria provided. Collection method: clinical testing. Allele origin: unknown. Not counted in ClinVar's aggregate classification.

Literature cited by the submitters: PubMed 25595217 (cited by Labcorp Genetics (formerly Invitae), Labcorp); PubMed 16199547 (cited by Labcorp Genetics (formerly Invitae), Labcorp); PubMed 18541450 (cited by Labcorp Genetics (formerly Invitae), Labcorp).